The following is an entry in ClinVar:

ClinVar aggregate classification (germline): Pathogenic/Likely pathogenic. Review status: criteria provided, multiple submitters, no conflicts (2 of 4 stars). 2 submissions from 2 submitters: Pathogenic (1); Likely pathogenic (1). Last evaluated 2023-11-13.

Conditions:
GLUT1 deficiency syndrome 1, autosomal recessive. Identifiers: MedGen C3149117.
Encephalopathy due to GLUT1 deficiency. Also called: Classic Glucose Transporter Type 1 Deficiency Syndrome; Glucose transporter protein syndrome; De Vivo disease; GLUCOSE TRANSPORT DEFECT, BLOOD-BRAIN BARRIER; GLUT1 deficiency syndrome 1, infantile onset, severe; GLUT1 deficiency syndrome 1. Identifiers: Orphanet 71277, MedGen C4551966, MONDO:0011724, OMIM 606777.

Submissions (2):

Labcorp Genetics (formerly Invitae), Labcorp
Classification: Pathogenic for GLUT1 deficiency syndrome 1, autosomal recessive. Last evaluated: 2023-11-13. Review status: criteria provided, single submitter. Criteria: Invitae Variant Classification Sherloc (09022015). Collection method: clinical testing. Allele origin: germline.
Comment: This sequence change creates a premature translational stop signal (p.Glu246Glyfs*5) in the SLC2A1 gene. It is expected to result in an absent or disrupted protein product. Loss-of-function variants in SLC2A1 are known to be pathogenic (PMID: 21832227, 26193382). This variant is not present in population databases (gnomAD no frequency). This premature translational stop signal has been observed in individual(s) with GLUT1-deficiency syndrome (PMID: 26193382). Algorithms developed to predict the effect of sequence changes on RNA splicing suggest that this variant may create or strengthen a splice site. For these reasons, this variant has been classified as Pathogenic.

Neuberg Centre For Genomic Medicine, NCGM
Classification: Likely pathogenic for Encephalopathy due to GLUT1 deficiency. Review status: criteria provided, single submitter. Criteria: ACMG Guidelines, 2015. Collection method: clinical testing. Allele origin: germline. Inheritance: Autosomal dominant inheritance. Affected: yes.
Comment: The frame shift c.737_740del(p.Glu246GlyfsTer5) variant has not been reported previously as a pathogenic variant nor as a benign variant, to our knowledge. The p.Glu246GlyfsTer5 variant is novel (not in any individuals) in gnomAD Exomes and 1000 Genomes. This variant has not been reported to the ClinVar database. This variant causes a frameshift starting with codon Glutamic Acid 246, changes this amino acid to Glycine residue, and creates a premature Stop codon at position 5 of the new reading frame, denoted p.Glu246GlyfsTer5. This variant is predicted to cause loss of normal protein function through protein truncation. Loss of function variants have been previously reported to be disease causing. For these reasons, this variant has been classified as Likely Pathogenic.

Literature cited by the submitters: PubMed 21832227 (cited by Labcorp Genetics (formerly Invitae), Labcorp); PubMed 26193382 (cited by Labcorp Genetics (formerly Invitae), Labcorp).

NM_006516.4(SLC2A1):c.737_740del (p.Glu246fs)

Gene: SLC2A1 (solute carrier family 2 member 1; minus strand). Cytogenetic location: 1p34.2.
Variant type: Deletion.
Coding change: c.737_740del on transcript NM_006516.4 (MANE Select); coding-DNA positions 737 to 740, 4 bases deleted (AAGA; older notation c.737_740delAAGA).
Protein change: p.Glu246fs; shifts the reading frame from glutamic acid 246.
Molecular consequence: frameshift variant.
Genome position (GRCh38, 1-based): chr1:42,929,720-42,929,723, TCTT deleted on the plus strand (AAGA on the coding strand, the reverse complement: SLC2A1 is on the minus strand). VCF-style (leftmost placement, unchanged base first): chr1-42929719-CTCTT-C. GRCh37 (hg19) VCF-style: chr1-43395390-CTCTT-C.
Other names: short protein forms E246fs.
Identifiers: ClinVar variation 2585110 (VCV002585110.4), dbSNP rs2524992555, ClinGen allele CA2582341914.